The following is an entry in ClinVar:

NM_001388419.1(KALRN):c.5665-5T>C

Gene: KALRN (kalirin RhoGEF kinase; plus strand). Cytogenetic location: 3q21.2.
Variant type: single nucleotide variant.
Coding change: c.5665-5T>C on transcript NM_001388419.1 (MANE Select); 5 bases into the intron before coding-DNA position 5665, T replaced by C.
Molecular consequence: intron variant.
Genome position (GRCh38, 1-based): chr3:124,650,803, T>C. VCF-style: chr3-124650803-T-C. GRCh37 (hg19) VCF-style: chr3-124369650-T-C.
Other names: c.5662-5T>C (NM_001024660.5); c.5659-5T>C (NM_001322988.2); c.3739-5T>C (NM_001388412.1); c.571-5T>C (NM_007064.5, NM_001322993.2, NM_001322995.2 and 1 more transcripts); c.475-5T>C (NM_001322998.2, NM_001323000.2); c.568-5T>C (NM_001322997.2, NM_001322994.2); c.472-5T>C (NM_001322999.2, NM_001323001.2).
Identifiers: ClinVar variation 3060484 (VCV003060484.2), dbSNP rs2291988, ClinGen allele CA2580546.
Genomic context (GRCh38, chr3:124,650,803, plus strand): 5'-GACACAGGGATTCCAAATGACTTTTCAAAGTACACTTCTCTAAGCCTGTTTTTCTCTCTT[T>C]TCAGAGTCTAGAAGGAAGCTCATACCGGGGGAGCTTGAAAGACCCTGCAGGCTGCCTGAA-3'

ClinVar aggregate classification (germline): Benign (0 of 4 stars; one submission).

Conditions:
KALRN-related disorder. Also called: KALRN-related condition.

Allele frequency attached by ClinVar (database versions not stated): ESP Exome Variant Server 0.22197; gnomAD 0.23960; TOPMed 0.24373; 1000 Genomes Project 30x 0.25359; gnomAD exomes 0.25675; ExAC 0.25913; 1000 Genomes Project 0.26118.
gnomAD v4.1: 410,860 of 1,609,514 alleles (26%); highest among the groups gnomAD compares: East Asian, 40%; 54,409 homozygotes.

Submission:

PreventionGenetics, part of Exact Sciences
Classification: Benign for KALRN-related condition. Last evaluated: 2019-10-21. Review status: no assertion criteria provided. Collection method: clinical testing. Allele origin: germline.
Comment: This variant is classified as benign based on ACMG/AMP sequence variant interpretation guidelines (Richards et al. 2015 PMID: 25741868, with internal and published modifications).